The following is an entry in ClinVar:

NM_016580.4(PCDH12):c.1066T>C (p.Trp356Arg)

Genes: PCDH12 (protocadherin 12; minus strand), RNF14 (ring finger protein 14; plus strand). Cytogenetic location: 5q31.3.
Variant type: single nucleotide variant.
Coding change: c.1066T>C on transcript NM_016580.4 (MANE Select); coding-DNA position 1066, T replaced by C.
Protein change: p.Trp356Arg; replaces tryptophan 356 with arginine.
Molecular consequence: missense variant.
Genome position (GRCh38, 1-based): chr5:141,956,786, A>G on the plus strand (T>C on the coding strand, the complement: PCDH12 is on the minus strand). VCF-style: chr5-141956786-A-G. GRCh37 (hg19) VCF-style: chr5-141336351-A-G.
Other names: short protein forms W356R.
Identifiers: ClinVar variation 1365167 (VCV001365167.4), dbSNP rs748294504, ClinGen allele CA3484461.

ClinVar aggregate classification (germline): Uncertain significance (1 of 4 stars; one submission).

Allele frequency attached by ClinVar (database versions not stated): gnomAD 0.00002; gnomAD exomes 0.00003 and 0.00006; TOPMed 0.00003; ExAC 0.00005.
gnomAD v4.1: 22 of 1,614,156 alleles (0.0014%); highest among the groups gnomAD compares: Admixed American, 0.032%; no homozygotes.

Submission:

Labcorp Genetics (formerly Invitae), Labcorp
Classification: Uncertain significance. Last evaluated: 2022-09-01. Review status: criteria provided, single submitter. Criteria: Invitae Variant Classification Sherloc (09022015). Collection method: clinical testing. Allele origin: germline.
Comment: In summary, the available evidence is currently insufficient to determine the role of this variant in disease. Therefore, it has been classified as a Variant of Uncertain Significance. Advanced modeling of protein sequence and biophysical properties (such as structural, functional, and spatial information, amino acid conservation, physicochemical variation, residue mobility, and thermodynamic stability) performed at Invitae indicates that this missense variant is not expected to disrupt PCDH12 protein function. ClinVar contains an entry for this variant (Variation ID: 1365167). This variant has not been reported in the literature in individuals affected with PCDH12-related conditions. This variant is present in population databases (rs748294504, gnomAD 0.05%). This sequence change replaces tryptophan, which is neutral and slightly polar, with arginine, which is basic and polar, at codon 356 of the PCDH12 protein (p.Trp356Arg).